The following is an entry in ClinVar:

ClinVar aggregate classification (germline): Uncertain significance. Review status: criteria provided, multiple submitters, no conflicts (2 of 4 stars). 4 submissions from 4 submitters: Uncertain significance (4). Last evaluated 2026-05-11.

Conditions:
Cardiovascular phenotype. Identifiers: MedGen CN230736.
X-linked myopathy with postural muscle atrophy. Also called: FHL1-Related Emery-Dreifuss Muscular Dystrophy, X-Linked. Identifiers: Orphanet 178461, MedGen C2678055, MONDO:0010401, OMIM 300696.
Myopathy, reducing body, X-linked, childhood-onset (RBMX1B). Also called: REDUCING BODY MYOPATHY, X-LINKED 1B, WITH LATE CHILDHOOD OR ADULT ONSET. Identifiers: Orphanet 97239, MedGen C4225159, MONDO:0010415, OMIM 300718.
Myopathy, reducing body, X-linked, early-onset, severe (RBMX1A). Also called: REDUCING BODY MYOPATHY, X-LINKED 1, SEVERE, WITH INFANTILE OR EARLY CHILDHOOD ONSET. Identifiers: Orphanet 97239, MedGen C4225423, MONDO:0010414, OMIM 300717.
Uruguay Faciocardiomusculoskeletal syndrome. Identifiers: MedGen C1846010, MONDO:0010292, OMIM 300280.
X-linked scapuloperoneal muscular dystrophy. Also called: SCAPULOPERONEAL MYOPATHY, FHL1-RELATED. Identifiers: Orphanet 431272, MedGen C2678061, MONDO:0010400, OMIM 300695.

Allele frequency attached by ClinVar (database versions not stated): gnomAD exomes below 0.00001 and 0.00001; ExAC 0.00001.
gnomAD v4.1: 2 of 1,211,678 alleles (0.00017%); highest among the groups gnomAD compares: Non-Finnish European, 0.00022%; no homozygotes.

Submissions (4):

Ambry Genetics
Classification: Uncertain significance for Cardiovascular phenotype. Last evaluated: 2026-05-11. Review status: criteria provided, single submitter. Criteria: Ambry Variant Classification Scheme 2023. Collection method: clinical testing. Allele origin: germline.

Labcorp Genetics (formerly Invitae), Labcorp
Classification: Uncertain significance for X-linked myopathy with postural muscle atrophy. Last evaluated: 2025-03-25. Review status: criteria provided, single submitter. Criteria: Invitae Variant Classification Sherloc (09022015). Collection method: clinical testing. Allele origin: germline.
Comment: This sequence change replaces asparagine, which is neutral and polar, with serine, which is neutral and polar, at codon 85 of the FHL1 protein (p.Asn85Ser). This variant is present in population databases (rs774919566, gnomAD 0.001%). This missense change has been observed in individual(s) with clinical features of FHL1-related conditions (PMID: 21520333). ClinVar contains an entry for this variant (Variation ID: 286178). An algorithm developed to predict the effect of missense changes on protein structure and function outputs the following: PolyPhen-2: "Benign". The serine amino acid residue is found in multiple mammalian species, which suggests that this missense change does not adversely affect protein function. In summary, the available evidence is currently insufficient to determine the role of this variant in disease. Therefore, it has been classified as a Variant of Uncertain Significance.

Fulgent Genetics
Classification: Uncertain significance for Uruguay Faciocardiomusculoskeletal syndrome; X-linked scapuloperoneal muscular dystrophy; X-linked myopathy with postural muscle atrophy; Myopathy, reducing body, X-linked, early-onset, severe; Myopathy, reducing body, X-linked, childhood-onset. Last evaluated: 2021-09-23. Review status: criteria provided, single submitter. Criteria: ACMG Guidelines, 2015. Collection method: clinical testing. Allele origin: unknown.

Eurofins Ntd Llc (ga)
Classification: Uncertain significance. Last evaluated: 2016-02-19. Review status: criteria provided, single submitter. Criteria: EGL Classification Definitions 2015. Collection method: clinical testing. Allele origin: germline. Observed: 1 variant allele, 1 heterozygote.

Literature cited by the submitters: PubMed 21520333 (cited by Labcorp Genetics (formerly Invitae), Labcorp).

NM_001159699.2(FHL1):c.302A>G (p.Asn101Ser)

Gene: FHL1 (four and a half LIM domains 1; plus strand). Cytogenetic location: Xq26.3.
Variant type: single nucleotide variant.
Coding change: c.302A>G on transcript NM_001159699.2 (MANE Select); coding-DNA position 302, A replaced by G.
Protein change: p.Asn101Ser; replaces asparagine 101 with serine.
Molecular consequence: missense variant. On other transcripts: non-coding transcript variant (1).
Genome position (GRCh38, 1-based): chrX:136,207,113, A>G. VCF-style: chrX-136207113-A-G. GRCh37 (hg19) VCF-style: chrX-135289272-A-G.
Other names: c.254A>G (NM_001449.4); c.254A>G, p.Asn85Ser (NM_001159700.2, NM_001159702.3, NM_001159703.2 and 9 more transcripts); c.341A>G, p.Asn114Ser (NM_001159701.2); c.302A>G, p.Asn101Ser (NM_001330659.2); short protein forms N85S, N101S, N114S.
Identifiers: ClinVar variation 286178 (VCV000286178.16), dbSNP rs774919566, ClinGen allele CA10524977.
Genomic context (GRCh38, chrX:136,207,113, plus strand): 5'-GCTTCCGCTGTGCCAAGTGCCTTCACCCCTTGGCCAATGAGACCTTTGTGGCCAAGGACA[A>G]CAAGATCCTGTGCAACAAGTGCACCACTCGGGAGGACTCCCCCAAGTGCAAGGGGTGCTT-3'
Protein context (NP_001153171.1, residues 91-111): LANETFVAKD[Asn101Ser]KILCNKCTTR